The following is an entry in ClinVar:

ClinVar aggregate classification (germline): Pathogenic (1 of 4 stars; one submission).

Conditions:
Fanconi anemia complementation group C (FANCC). Also called: FANCONI PANCYTOPENIA, TYPE 3; FACC; Fanconi anemia, group C; FANCC-Related Fanconi Anemia. Identifiers: Orphanet 84, MedGen C3468041, MONDO:0009213, OMIM 227645.

Submission:

Myriad Genetics, Inc.
Classification: Pathogenic for Fanconi anemia complementation group C. Last evaluated: 2024-05-21. Review status: criteria provided, single submitter. Criteria: Myriad Autosomal Dominant, Autosomal Recessive and X-Linked Classification Criteria (2023). Collection method: clinical testing. Allele origin: unknown.
Comment: NM_000136.2(FANCC):c.282_285delATGT(L94Ffs*3) is expected to be pathogenic in the context of Fanconi anemia, FANCC-related. This variant is predicted to lead to an abnormal or absent protein product due to the creation of a premature termination codon in FANCC, a gene where loss-of-function variants are known to be pathogenic. Please note: this variant was assessed in the context of healthy population screening.

NM_000136.3(FANCC):c.282_285del (p.Leu94fs)

Gene: FANCC (FA complementation group C; minus strand). Cytogenetic location: 9q22.32.
Variant type: Deletion.
Coding change: c.282_285del on transcript NM_000136.3 (MANE Select); coding-DNA positions 282 to 285, 4 bases deleted (ATGT; older notation c.282_285delATGT).
Protein change: p.Leu94fs; shifts the reading frame from leucine 94.
Molecular consequence: frameshift variant.
Genome position (GRCh38, 1-based): chr9:95,240,709-95,240,712, ACAT deleted on the plus strand (ATGT on the coding strand, the reverse complement: FANCC is on the minus strand); deleting any 4 consecutive bases within chr9:95,240,709-95,240,713 gives the same sequence; the c. name uses the placement nearest the transcript's 3' end. VCF-style (leftmost placement, unchanged base first): chr9-95240708-AACAT-A. GRCh37 (hg19) VCF-style: chr9-98002990-AACAT-A.
Other names: c.282_285del, p.Leu94fs (NM_001243743.2, NM_001243744.2); short protein forms L94fs.
Identifiers: ClinVar variation 5013078 (VCV005013078.1).